The following is an entry in ClinVar:

ClinVar aggregate classification (germline): Uncertain significance (1 of 4 stars; one submission).

Conditions:
Immunodeficiency 132A. Also called: Herpes simplex encephalitis, susceptibility to, 3. Identifiers: Orphanet 1930, MedGen C3553868, MONDO:0013920, OMIM 614849.

Submission:

Labcorp Genetics (formerly Invitae), Labcorp
Classification: Uncertain significance for Immunodeficiency 132A. Last evaluated: 2019-04-11. Review status: criteria provided, single submitter. Criteria: Invitae Variant Classification Sherloc (09022015). Collection method: clinical testing. Allele origin: germline.
Comment: This sequence change replaces leucine with proline at codon 330 of the TRAF3 protein (p.Leu330Pro). The leucine residue is highly conserved and there is a moderate physicochemical difference between leucine and proline. This variant is not present in population databases (ExAC no frequency). This variant has not been reported in the literature in individuals with TRAF3-related conditions. Algorithms developed to predict the effect of missense changes on protein structure and function are either unavailable or do not agree on the potential impact of this missense change (SIFT: "Deleterious"; PolyPhen-2: "Possibly Damaging"; Align-GVGD: "Class C0"). In summary, the available evidence is currently insufficient to determine the role of this variant in disease. Therefore, it has been classified as a Variant of Uncertain Significance.

NM_145725.3(TRAF3):c.989T>C (p.Leu330Pro)

Gene: TRAF3 (TNF receptor associated factor 3; plus strand). Cytogenetic location: 14q32.32.
Variant type: single nucleotide variant.
Coding change: c.989T>C on transcript NM_145725.3 (MANE Select); coding-DNA position 989, T replaced by C.
Protein change: p.Leu330Pro; replaces leucine 330 with proline.
Molecular consequence: missense variant.
Genome position (GRCh38, 1-based): chr14:102,903,283, T>C. VCF-style: chr14-102903283-T-C. GRCh37 (hg19) VCF-style: chr14-103369620-T-C.
Other names: c.740T>C, p.Leu247Pro (NM_001199427.2); c.848T>C, p.Leu283Pro (NM_001385142.1); c.908T>C, p.Leu303Pro (NM_001385143.1); c.989T>C, p.Leu330Pro (NM_003300.4); c.914T>C, p.Leu305Pro (NM_145726.3); short protein forms L330P, L305P, L247P, L283P, L303P.
Identifiers: ClinVar variation 947783 (VCV000947783.10), dbSNP rs1890396875, ClinGen allele CA391074329.